The following is an entry in ClinVar:

NM_000059.4(BRCA2):c.5767G>A (p.Asp1923Asn)

Gene: BRCA2 (BRCA2 DNA repair associated; plus strand). Cytogenetic location: 13q13.1.
Variant type: single nucleotide variant.
Coding change: c.5767G>A on transcript NM_000059.4 (MANE Select); coding-DNA position 5767, G replaced by A.
Protein change: p.Asp1923Asn; replaces aspartic acid 1923 with asparagine.
Molecular consequence: missense variant.
Genome position (GRCh38, 1-based): chr13:32,340,122, G>A. VCF-style: chr13-32340122-G-A. GRCh37 (hg19) VCF-style: chr13-32914259-G-A.
Other names: c.5767G>A, p.Asp1923Asn (NM_001406719.1, NM_001406720.1); short protein forms D1923N.
Identifiers: ClinVar variation 1749511 (VCV001749511.6), dbSNP rs2137520737, ClinGen allele CA387787087.

ClinVar aggregate classification (germline): Conflicting classifications of pathogenicity. Review status: criteria provided, conflicting classifications (1 of 4 stars). 3 submissions from 3 submitters: Uncertain significance (2); Likely benign (1). Last evaluated 2025-10-06.

Conditions:
Hereditary cancer-predisposing syndrome. Also called: Hereditary Cancer Syndrome; Hereditary neoplastic syndrome; Neoplastic Syndromes, Hereditary; Tumor predisposition. Identifiers: Orphanet 140162, MedGen C0027672, MeSH D009386, MONDO:0015356.
Hereditary breast ovarian cancer syndrome. Also called: Hereditary breast and ovarian cancer; BRCA1- and BRCA2-Associated Hereditary Breast and Ovarian Cancer; Hereditary breast and ovarian cancer syndrome (HBOC); Hereditary breast and ovarian cancer syndrome; Breast and ovarian cancer; Hereditary breast and/or ovarian cancer syndrome. Identifiers: Orphanet 145, MedGen C0677776, MeSH D061325, MONDO:0003582. Disease mechanism: loss of function.

Submissions (3):

Labcorp Genetics (formerly Invitae), Labcorp
Classification: Uncertain significance for Hereditary breast ovarian cancer syndrome. Last evaluated: 2025-10-06. Review status: criteria provided, single submitter. Criteria: Invitae Variant Classification Sherloc (09022015). Collection method: clinical testing. Allele origin: germline.
Comment: This sequence change replaces aspartic acid, which is acidic and polar, with asparagine, which is neutral and polar, at codon 1923 of the BRCA2 protein (p.Asp1923Asn). This variant is not present in population databases (gnomAD no frequency). This variant has not been reported in the literature in individuals affected with BRCA2-related conditions. ClinVar contains an entry for this variant (Variation ID: 1749511). Invitae Evidence Modeling of protein sequence and biophysical properties (such as structural, functional, and spatial information, amino acid conservation, physicochemical variation, residue mobility, and thermodynamic stability) indicates that this missense variant is not expected to disrupt BRCA2 protein function with a negative predictive value of 95%. In summary, the available evidence is currently insufficient to determine the role of this variant in disease. Therefore, it has been classified as a Variant of Uncertain Significance.

Ambry Genetics
Classification: Uncertain significance for Hereditary cancer-predisposing syndrome. Last evaluated: 2024-05-13. Review status: criteria provided, single submitter. Criteria: Ambry Variant Classification Scheme 2023. Collection method: clinical testing. Allele origin: germline.
Comment: The p.D1923N variant (also known as c.5767G>A), located in coding exon 10 of the BRCA2 gene, results from a G to A substitution at nucleotide position 5767. The aspartic acid at codon 1923 is replaced by asparagine, an amino acid with highly similar properties. This amino acid position is not well conserved in available vertebrate species. In addition, this alteration is predicted to be tolerated by in silico analysis. Based on the available evidence, the clinical significance of this variant remains unclear.

University of Washington Department of Laboratory Medicine, University of Washington
Classification: Likely benign for Hereditary cancer-predisposing syndrome. Last evaluated: 2023-03-23. Review status: criteria provided, single submitter. Criteria: Dines et al. (Genet Med. 2020). Collection method: curation. Allele origin: germline.
Comment: Missense variant in a coldspot region where missense variants are very unlikely to be pathogenic (PMID:31911673).

BRCA2 exon 11 coldspot. Reclassification based on statistical prior probability.